The following is an entry in ClinVar:

NM_000368.5(TSC1):c.674_675del (p.Glu225fs)

Gene: TSC1 (TSC complex subunit 1; minus strand). Cytogenetic location: 9q34.13.
Variant type: Deletion.
Coding change: c.674_675del on transcript NM_000368.5 (MANE Select); coding-DNA positions 674 to 675, 2 bases deleted (AG; older notation c.674_675delAG).
Protein change: p.Glu225fs; shifts the reading frame from glutamic acid 225.
Molecular consequence: frameshift variant. On other transcripts: 5 prime UTR variant (1), non-coding transcript variant (5), intron variant (4).
Genome position (GRCh38, 1-based): chr9:132,921,425-132,921,426, CT deleted on the plus strand (AG on the coding strand, the reverse complement: TSC1 is on the minus strand); deleting any 2 consecutive bases within chr9:132,921,425-132,921,427 gives the same sequence; the c. name uses the placement nearest the transcript's 3' end. VCF-style (leftmost placement, unchanged base first): chr9-132921424-GCT-G. GRCh37 (hg19) VCF-style: chr9-135796811-GCT-G.
Other names: c.311_312del, p.Glu104fs (NM_001406622.1, NM_001406623.1, NM_001406624.1 and 10 more transcripts); c.-420_-419del (NM_001406630.1); c.-215+393_-215+394del (NM_001406627.1, NM_001406628.1, NM_001406626.1); c.-357+393_-357+394del (NM_001406629.1); c.674_675del, p.Glu225fs (NM_001162426.2, NM_001406592.1, NM_001406593.1 and 16 more transcripts); c.521_522del, p.Glu174fs (NM_001162427.2, NM_001406610.1, NM_001406611.1 and 2 more transcripts); short protein forms E174fs, E225fs, E104fs.
Identifiers: ClinVar variation 3727449 (VCV003727449.2).

ClinVar aggregate classification (germline): Pathogenic (1 of 4 stars; one submission).

Conditions:
Tuberous sclerosis 1 (TSC1). Identifiers: Orphanet 805, MedGen C1854465, MONDO:0008612, OMIM 191100.

Submission:

Labcorp Genetics (formerly Invitae), Labcorp
Classification: Pathogenic for Tuberous sclerosis 1. Last evaluated: 2024-12-17. Review status: criteria provided, single submitter. Criteria: Invitae Variant Classification Sherloc (09022015). Collection method: clinical testing. Allele origin: germline.
Comment: This sequence change creates a premature translational stop signal (p.Glu225Alafs*16) in the TSC1 gene. It is expected to result in an absent or disrupted protein product. Loss-of-function variants in TSC1 are known to be pathogenic (PMID: 10227394, 17304050). This variant is not present in population databases (gnomAD no frequency). This variant has not been reported in the literature in individuals affected with TSC1-related conditions. Algorithms developed to predict the effect of sequence changes on RNA splicing suggest that this variant may disrupt the consensus splice site. For these reasons, this variant has been classified as Pathogenic.

Literature cited by the submitters: PubMed 10227394; PubMed 17304050.